The following is an entry in ClinVar:

NM_001042492.3(NF1):c.1486_1487insC (p.Met496fs)

Gene: NF1 (neurofibromin 1; plus strand). Cytogenetic location: 17q11.2.
Variant type: Insertion.
Coding change: c.1486_1487insC on transcript NM_001042492.3 (MANE Select); coding-DNA positions 1486 to 1487, C inserted.
Protein change: p.Met496fs; shifts the reading frame from methionine 496.
Molecular consequence: frameshift variant.
Genome position: GRCh38 VCF-style: chr17-31214544-A-AC. GRCh37 (hg19) VCF-style: chr17-29541562-A-AC.
Other names: c.1486_1487insC, p.Met496Thrfs (NM_000267.4); c.1486_1487insC, p.Met496fs (NM_001128147.3); short protein forms M496fs.
Identifiers: ClinVar variation 3643173 (VCV003643173.2).

ClinVar aggregate classification (germline): Pathogenic (1 of 4 stars; one submission).

Conditions:
Neurofibromatosis, type 1 (NF1). Also called: Peripheral type neurofibromatosis; VON RECKLINGHAUSEN DISEASE; Neurofibromatosis, type I; NEUROFIBROMATOSIS, TYPE I, SOMATIC. Identifiers: Orphanet 636, MedGen C0027831, MONDO:0018975, OMIM 162200. Disease mechanism: loss of function.

Submission:

Labcorp Genetics (formerly Invitae), Labcorp
Classification: Pathogenic for Neurofibromatosis, type 1. Last evaluated: 2025-04-07. Review status: criteria provided, single submitter. Criteria: Invitae Variant Classification Sherloc (09022015). Collection method: clinical testing. Allele origin: germline.
Comment: This sequence change creates a premature translational stop signal (p.Met496Thrfs*15) in the NF1 gene. It is expected to result in an absent or disrupted protein product. Loss-of-function variants in NF1 are known to be pathogenic (PMID: 10712197, 23913538). This variant is not present in population databases (gnomAD no frequency). This variant has not been reported in the literature in individuals affected with NF1-related conditions. ClinVar contains an entry for this variant (Variation ID: 3643173). For these reasons, this variant has been classified as Pathogenic.

Literature cited by the submitters: PubMed 10712197; PubMed 23913538.